The following is an entry in ClinVar:

NM_000051.4(ATM):c.3503G>A (p.Cys1168Tyr)

Gene: ATM (ATM serine/threonine kinase; plus strand). Cytogenetic location: 11q22.3.
Variant type: single nucleotide variant.
Coding change: c.3503G>A on transcript NM_000051.4 (MANE Select); coding-DNA position 3503, G replaced by A.
Protein change: p.Cys1168Tyr; replaces cysteine 1168 with tyrosine.
Molecular consequence: missense variant.
Genome position (GRCh38, 1-based): chr11:108,281,095, G>A. VCF-style: chr11-108281095-G-A. GRCh37 (hg19) VCF-style: chr11-108151822-G-A.
Other names: c.3503G>A, p.Cys1168Tyr (NM_001351834.2); short protein forms C1168Y.
Identifiers: ClinVar variation 2774561 (VCV002774561.2), dbSNP rs2135668336, ClinGen allele CA382519791.

ClinVar aggregate classification (germline): Uncertain significance (1 of 4 stars; one submission).

Conditions:
Hereditary cancer-predisposing syndrome. Also called: Neoplastic Syndromes, Hereditary; Tumor predisposition; Hereditary Cancer Syndrome; Hereditary neoplastic syndrome. Identifiers: Orphanet 140162, MedGen C0027672, MeSH D009386, MONDO:0015356.

Submission:

Color Diagnostics, LLC DBA Color Health
Classification: Uncertain significance for Hereditary cancer-predisposing syndrome. Last evaluated: 2024-03-06. Review status: criteria provided, single submitter. Criteria: ACMG Guidelines, 2015. Collection method: clinical testing. Allele origin: germline.
Comment: This missense variant replaces cysteine with tyrosine at codon 1168 of the ATM protein. Computational prediction is inconclusive regarding the impact of this variant on protein structure and function (internally defined REVEL score threshold 0.5 < inconclusive < 0.7, PMID: 27666373). To our knowledge, functional studies have not been reported for this variant. This variant has not been reported in individuals affected with hereditary cancer in the literature. This variant has not been identified in the general population by the Genome Aggregation Database (gnomAD). The available evidence is insufficient to determine the role of this variant in disease conclusively. Therefore, this variant is classified as a Variant of Uncertain Significance.